The following is an entry in ClinVar:

ClinVar aggregate classification (germline): Uncertain significance. Review status: criteria provided, multiple submitters, no conflicts (2 of 4 stars). 4 submissions from 4 submitters: Uncertain significance (2). 2 of the submissions do not count toward it. Last evaluated 2024-08-01.

Conditions:
Nephropathic cystinosis (CTNS). Also called: Abderhalden Lignac Kaufmann disease; Abderhalden-Kaufmann-Lignac syndrome; CYSTINOSIN, DEFECT OF; LYSOSOMAL CYSTINE TRANSPORT PROTEIN, DEFECT OF. Identifiers: Orphanet 213, Orphanet 411629, MedGen C2931187, MONDO:0100151, OMIM 219800.
CTNS-related disorder. Also called: CTNS-related condition.
Juvenile nephropathic cystinosis. Also called: Intermediate Cystinosis; CYSTINOSIS, LATE-ONSET JUVENILE OR ADOLESCENT NEPHROPATHIC TYPE; Later-Onset (Juvenile) Cystinosis. Identifiers: Orphanet 213, Orphanet 411634, MedGen C0268626, MONDO:0009066, OMIM 219900.
Inborn genetic diseases. Identifiers: MedGen C0950123, MeSH D030342.
Ocular cystinosis. Also called: Non-Nephropathic Cystinosis; Non-Nephropathic (Ocular) Cystinosis. Identifiers: Orphanet 213, Orphanet 411641, MedGen C2931013, MONDO:0009064, OMIM 219750.

Allele frequency attached by ClinVar (database versions not stated): gnomAD exomes below 0.00001; ExAC 0.00002; gnomAD 0.00004 and 0.00007; TOPMed 0.00006; ESP Exome Variant Server 0.00008.
gnomAD v4.1: 27 of 1,614,074 alleles (0.0017%); highest among the groups gnomAD compares: African/African-American, 0.027%; 1 homozygote.

Submissions (4):

Women's Health and Genetics/Laboratory Corporation of America, LabCorp
Classification: Uncertain significance. Last evaluated: 2024-08-01. Review status: criteria provided, single submitter. Criteria: LabCorp Variant Classification Summary - May 2015. Collection method: clinical testing. Allele origin: germline.
Comment: Variant summary: CTNS c.262C>A (p.Gln88Lys) results in a conservative amino acid change in the encoded protein sequence. Three of four in-silico tools predict a benign effect of the variant on protein function. The variant allele was found at a frequency of 4e-06 in 251492 control chromosomes. The available data on variant occurrences in the general population are insufficient to allow any conclusion about variant significance. c.262C>A has been reported in the literature in the homozygous state in at least 1 individual affected with clinical features of Cystinosis (example, Chkioua_2022), however detailed ocular examination was not performed. These report(s) do not provide unequivocal conclusions about association of the variant with Cystinosis. To our knowledge, no experimental evidence demonstrating an impact on protein function has been reported. The following publication has been ascertained in the context of this evaluation (PMID: 35524314). ClinVar contains an entry for this variant (Variation ID: 1065629). Based on the evidence outlined above, the variant was classified as uncertain significance.

Labcorp Genetics (formerly Invitae), Labcorp
Classification: Uncertain significance for Inborn genetic diseases; Ocular cystinosis; Juvenile nephropathic cystinosis. Last evaluated: 2022-09-26. Review status: criteria provided, single submitter. Criteria: Invitae Variant Classification Sherloc (09022015). Collection method: clinical testing. Allele origin: germline.
Comment: This sequence change replaces glutamine, which is neutral and polar, with lysine, which is basic and polar, at codon 88 of the CTNS protein (p.Gln88Lys). This variant is present in population databases (rs113875421, gnomAD 0.007%). This variant has not been reported in the literature in individuals affected with CTNS-related conditions. ClinVar contains an entry for this variant (Variation ID: 1065629). Advanced modeling of protein sequence and biophysical properties (such as structural, functional, and spatial information, amino acid conservation, physicochemical variation, residue mobility, and thermodynamic stability) performed at Invitae indicates that this missense variant is not expected to disrupt CTNS protein function. In summary, the available evidence is currently insufficient to determine the role of this variant in disease. Therefore, it has been classified as a Variant of Uncertain Significance.

PreventionGenetics, part of Exact Sciences
Classification: Uncertain significance for CTNS-related condition. Last evaluated: 2024-03-28. Review status: no assertion criteria provided. Collection method: clinical testing. Allele origin: germline. Not counted in ClinVar's aggregate classification.
Comment: The CTNS c.262C>A variant is predicted to result in the amino acid substitution p.Gln88Lys. This variant was reported in homozygous state in an individual with infantile cystinosis (Chkioua et al. 2022. PubMed ID: 35524314). This variant is reported in 0.0062% of alleles in individuals of African descent in gnomAD. Although we suspect that this variant may be pathogenic, at this time the clinical significance of this variant is uncertain due to the absence of conclusive functional and genetic evidence.

Research Laboratory of Human Genome and Multifactorial Diseases, Faculty of Pharmacy, University of Monastir
Classification: Pathogenic for Nephropathic cystinosis. Review status: no assertion criteria provided. Collection method: clinical testing. Allele origin: germline. Inheritance: Autosomal recessive inheritance. Affected: yes. Observed: 1 variant allele, 1 homozygote. Not counted in ClinVar's aggregate classification.

Literature cited by the submitters: PubMed 35524314 (cited by Women's Health and Genetics/Laboratory Corporation of America, LabCorp).

NM_004937.3(CTNS):c.262C>A (p.Gln88Lys)

Genes: CTNS (cystinosin, lysosomal cystine transporter; plus strand), CTNS-AS1 (CTNS antisense RNA 1; minus strand). Cytogenetic location: 17p13.2.
Variant type: single nucleotide variant.
Coding change: c.262C>A on transcript NM_004937.3 (MANE Select); coding-DNA position 262, C replaced by A.
Protein change: p.Gln88Lys; replaces glutamine 88 with lysine.
Molecular consequence: missense variant. On other transcripts: 5 prime UTR variant (4).
Genome position (GRCh38, 1-based): chr17:3,655,034, C>A. VCF-style: chr17-3655034-C-A. GRCh37 (hg19) VCF-style: chr17-3558328-C-A.
Other names: c.262C>A, p.Gln88Lys (NM_001031681.3, NM_001374492.1); c.-180C>A (NM_001374493.1, NM_001374494.1, NM_001374495.1 and 1 more transcripts); short protein forms Q88K.
Identifiers: ClinVar variation 1065629 (VCV001065629.7), dbSNP rs113875421, ClinGen allele CA8291648.